The following is an entry in ClinVar:

ClinVar aggregate classification (germline): Likely benign (0 of 4 stars; one submission).

Conditions:
COL4A1-related disorder. Also called: COL4A1-related condition; COL4A1-related disorders. Identifiers: MedGen CN376119, MONDO:0800461.

gnomAD v4.1: 1 of 1,614,114 alleles (0.000062%); highest among the groups gnomAD compares: Non-Finnish European, 0.000085%; no homozygotes.

Submission:

PreventionGenetics, part of Exact Sciences
Classification: Likely benign for COL4A1-related condition. Last evaluated: 2024-04-04. Review status: no assertion criteria provided. Collection method: clinical testing. Allele origin: germline.
Comment: This variant is classified as likely benign based on ACMG/AMP sequence variant interpretation guidelines (Richards et al. 2015 PMID: 25741868, with internal and published modifications).

NM_001845.6(COL4A1):c.2194-3C>T

Gene: COL4A1 (collagen type IV alpha 1 chain; minus strand). Cytogenetic location: 13q34.
Variant type: single nucleotide variant.
Coding change: c.2194-3C>T on transcript NM_001845.6 (MANE Select); 3 bases into the intron before coding-DNA position 2194, C replaced by T.
Molecular consequence: intron variant.
Genome position (GRCh38, 1-based): chr13:110,179,424, G>A on the plus strand (C>T on the coding strand, the complement: COL4A1 is on the minus strand). VCF-style: chr13-110179424-G-A. GRCh37 (hg19) VCF-style: chr13-110831771-G-A.
Identifiers: ClinVar variation 3354828 (VCV003354828.1).
Genomic context (GRCh38, chr13:110,179,424, plus strand): 5'-GAATGCCGGGAAGACCTGGCAAACCTTTGAGTCCCGGTAGACCAACTCCAGGCTCTCCCT[G>A]AAAATCCCCAAAGCACAGAGAAGCAAATTGATTTGCAAAGTCAGTATTTTTATCAAACCA-3'